The following is an entry in ClinVar:

ClinVar aggregate classification (germline): Pathogenic/Likely pathogenic. Review status: criteria provided, multiple submitters, no conflicts (2 of 4 stars). 5 submissions from 5 submitters: Pathogenic (1); Likely pathogenic (4). Last evaluated 2026-01-20.

Conditions:
Arrhythmogenic right ventricular dysplasia 9 (ARVD9). Also called: Arrhythmogenic Right Ventricular Dysplasia/Cardiomyopathy 9; ARRHYTHMOGENIC RIGHT VENTRICULAR DYSPLASIA, FAMILIAL, 9. Identifiers: MedGen C1836906, MONDO:0012180, OMIM 609040.
PKP2-related disorder. Also called: PKP2-related condition.

Allele frequency attached by ClinVar (database versions not stated): gnomAD exomes below 0.00001.

Submissions (5):

GeneDx
Classification: Likely pathogenic. Last evaluated: 2026-01-20. Review status: criteria provided, single submitter. Criteria: GeneDx Variant Classification Process June 2021. Collection method: clinical testing. Allele origin: germline. Affected: yes.
Comment: Not observed at significant frequency in large population cohorts (gnomAD); Canonical splice site variant predicted to result in a null allele in a gene for which loss of function is a known mechanism of disease; This variant is associated with the following publications: (PMID: 31402444, 35653365, 34400560)

Labcorp Genetics (formerly Invitae), Labcorp
Classification: Likely pathogenic for Arrhythmogenic right ventricular dysplasia 9. Last evaluated: 2023-12-04. Review status: criteria provided, single submitter. Criteria: Invitae Variant Classification Sherloc (09022015). Collection method: clinical testing. Allele origin: germline.
Comment: This sequence change affects an acceptor splice site in intron 11 of the PKP2 gene. It is expected to disrupt RNA splicing. Variants that disrupt the donor or acceptor splice site typically lead to a loss of protein function (PMID: 16199547), and loss-of-function variants in PKP2 are known to be pathogenic (PMID: 15489853, 23911551). This variant is not present in population databases (gnomAD no frequency). Disruption of this splice site has been observed in individual(s) with arrhythmogenic cardiomyopathy (PMID: 35653365). ClinVar contains an entry for this variant (Variation ID: 406550). Algorithms developed to predict the effect of sequence changes on RNA splicing suggest that this variant may disrupt the consensus splice site. In summary, the currently available evidence indicates that the variant is pathogenic, but additional data are needed to prove that conclusively. Therefore, this variant has been classified as Likely Pathogenic.

Blueprint Genetics
Classification: Pathogenic for PKP2-related disorders. Last evaluated: 2022-03-30. Review status: criteria provided, single submitter. Criteria: ACMG Guidelines, 2015. Collection method: clinical testing. Allele origin: germline. Affected: yes. Observed: 2 variant alleles.

Fulgent Genetics
Classification: Likely pathogenic for Arrhythmogenic right ventricular dysplasia 9. Last evaluated: 2021-09-08. Review status: criteria provided, single submitter. Criteria: ACMG Guidelines, 2015. Collection method: clinical testing. Allele origin: unknown.

Juno Genomics, Hangzhou Juno Genomics, Inc
Classification: Likely pathogenic for Arrhythmogenic right ventricular dysplasia 9. Review status: criteria provided, single submitter. Criteria: ACMG Guidelines, 2015. Collection method: clinical testing. Allele origin: germline.
Comment: Absent from controls (or at extremely low frequency if recessive) in Genome Aggregation Database.;Null variant in a gene where loss of function (LOF) is a known mechanism of disease.

Literature cited by the submitters: PubMed 16199547 (cited by Labcorp Genetics (formerly Invitae), Labcorp); PubMed 15489853 (cited by Labcorp Genetics (formerly Invitae), Labcorp); PubMed 23911551 (cited by Labcorp Genetics (formerly Invitae), Labcorp); PubMed 35653365 (cited by Labcorp Genetics (formerly Invitae), Labcorp).

NM_001005242.3(PKP2):c.2168-1G>A

Gene: PKP2 (plakophilin 2; minus strand). Cytogenetic location: 12p11.21.
Variant type: single nucleotide variant.
Coding change: c.2168-1G>A on transcript NM_001005242.3 (MANE Select); the canonical splice acceptor site of the intron before coding-DNA position 2168, G replaced by A.
Molecular consequence: splice acceptor variant. On other transcripts: intron variant (2).
Genome position (GRCh38, 1-based): chr12:32,796,299, C>T on the plus strand (G>A on the coding strand, the complement: PKP2 is on the minus strand). VCF-style: chr12-32796299-C-T. GRCh37 (hg19) VCF-style: chr12-32949233-C-T.
Other names: c.1841-3568G>A (NM_001407160.1); c.1841-1G>A (NM_001407159.1, NM_001407158.1); c.2003-1G>A (NM_001407156.1); c.2168-3568G>A (NM_001407155.1); c.2300-1G>A (NM_004572.4).
Identifiers: ClinVar variation 406550 (VCV000406550.17), dbSNP rs1060501184, ClinGen allele CA16614123.